The following is an entry in ClinVar:

ClinVar aggregate classification (germline): Uncertain significance. Review status: criteria provided, multiple submitters, no conflicts (2 of 4 stars). 4 submissions from 4 submitters: Uncertain significance (4). Last evaluated 2025-10-06.

Conditions:
Hypersulfaturia (HYSULF). Identifiers: MedGen C5830511, MONDO:0957268, OMIM 620372.
Nephrolithiasis susceptibility caused by SLC26A1 (CAON1). Also called: NEPHROLITHIASIS, CALCIUM OXALATE, 1. Identifiers: MedGen C5779632, MONDO:0020722, OMIM 167030.
Inborn genetic diseases. Identifiers: MedGen C0950123, MeSH D030342.
SLC26A1-related disorder. Also called: SLC26A1-related condition.

Allele frequency attached by ClinVar (database versions not stated): gnomAD exomes 0.00007; gnomAD 0.00011; TOPMed 0.00013; ExAC 0.00021; ESP Exome Variant Server 0.00024.
gnomAD v4.1: 127 of 1,562,342 alleles (0.0081%); highest among the groups gnomAD compares: Admixed American, 0.029%; no homozygotes.

Submissions (4):

PreventionGenetics, part of Exact Sciences
Classification: Uncertain significance for SLC26A1-related condition. Last evaluated: 2025-10-06. Review status: criteria provided, single submitter. Criteria: ACMG Guidelines, 2015. Collection method: clinical testing. Allele origin: germline.
Comment: The SLC26A1 c.1171C>T variant is predicted to result in the amino acid substitution p.His391Tyr. To our knowledge, this variant has not been reported in the literature. This variant is reported in 0.026% of alleles in individuals of Latino descent in gnomAD. At this time, the clinical significance of this variant is uncertain due to the absence of conclusive functional and genetic evidence.

Labcorp Genetics (formerly Invitae), Labcorp
Classification: Uncertain significance. Last evaluated: 2025-02-18. Review status: criteria provided, single submitter. Criteria: Invitae Variant Classification Sherloc (09022015). Collection method: clinical testing. Allele origin: germline.
Comment: This sequence change replaces histidine, which is basic and polar, with tyrosine, which is neutral and polar, at codon 391 of the SLC26A1 protein (p.His391Tyr). This variant is present in population databases (rs367843214, gnomAD 0.03%). This variant has not been reported in the literature in individuals affected with SLC26A1-related conditions. ClinVar contains an entry for this variant (Variation ID: 2076584). Invitae Evidence Modeling of protein sequence and biophysical properties (such as structural, functional, and spatial information, amino acid conservation, physicochemical variation, residue mobility, and thermodynamic stability) indicates that this missense variant is not expected to disrupt SLC26A1 protein function with a negative predictive value of 80%. In summary, the available evidence is currently insufficient to determine the role of this variant in disease. Therefore, it has been classified as a Variant of Uncertain Significance.

Fulgent Genetics
Classification: Uncertain significance for Nephrolithiasis susceptibility caused by SLC26A1; Hypersulfaturia. Last evaluated: 2024-05-01. Review status: criteria provided, single submitter. Criteria: ACMG Guidelines, 2015. Collection method: clinical testing. Allele origin: germline.

Ambry Genetics
Classification: Uncertain significance for Inborn genetic diseases. Last evaluated: 2021-09-17. Review status: criteria provided, single submitter. Criteria: Ambry Variant Classification Scheme 2023. Collection method: clinical testing. Allele origin: germline.

NM_022042.4(SLC26A1):c.1171C>T (p.His391Tyr)

Genes: IDUA (alpha-L-iduronidase; plus strand), SLC26A1 (solute carrier family 26 member 1; minus strand). Cytogenetic location: 4p16.3.
Variant type: single nucleotide variant.
Coding change: c.1171C>T on transcript NM_022042.4 (MANE Select); coding-DNA position 1171, C replaced by T.
Protein change: p.His391Tyr; replaces histidine 391 with tyrosine.
Molecular consequence: missense variant. On other transcripts: intron variant (2).
Genome position (GRCh38, 1-based): chr4:989,768, G>A on the plus strand (C>T on the coding strand, the complement: SLC26A1 is on the minus strand). VCF-style: chr4-989768-G-A. GRCh37 (hg19) VCF-style: chr4-983556-G-A.
Other names: c.1171C>T, p.His391Tyr (NM_213613.4); c.576+1360C>T (NM_134425.4); c.299+1819G>A (NM_000203.5); c.1171C>T (NM_022042.3); short protein forms H391Y.
Identifiers: ClinVar variation 2076584 (VCV002076584.7), dbSNP rs367843214, ClinGen allele CA2801449.